The following is an entry in ClinVar:

ClinVar aggregate classification (germline): Benign/Likely benign. Review status: criteria provided, multiple submitters, no conflicts (2 of 4 stars). 6 submissions from 6 submitters: Benign (1); Likely benign (4). 1 of the submissions does not count toward it. Last evaluated 2026-01-01.

Conditions:
CASP10-related disorder. Also called: CASP10-related condition.
Autoimmune lymphoproliferative syndrome type 2A (ALPS2A). Also called: Autoimmune lymphoproliferative syndrome type 2; CASP10-Related Autoimmune Lymphoproliferative Syndrome; AUTOIMMUNE LYMPHOPROLIFERATIVE SYNDROME, TYPE IIA. Identifiers: Orphanet 3261, MedGen C1858968, MONDO:0011383, OMIM 603909.

Allele frequency attached by ClinVar (database versions not stated): gnomAD exomes 0.00010 and 0.00012; ExAC 0.00012; gnomAD 0.00013; TOPMed 0.00013; ESP Exome Variant Server 0.00031.
gnomAD v4.1: 200 of 1,597,696 alleles (0.013%); highest among the groups gnomAD compares: Middle Eastern, 0.067%; no homozygotes.

Submissions (6):

CeGaT Center for Human Genetics Tuebingen
Classification: Likely benign. Last evaluated: 2026-01-01. Review status: criteria provided, single submitter. Criteria: CeGaT Center For Human Genetics Tuebingen Variant Classification Criteria Version 2. Collection method: clinical testing. Allele origin: germline. Affected: yes. Observed: 1 variant allele.
Comment: CASP10: BP4

Labcorp Genetics (formerly Invitae), Labcorp
Classification: Likely benign for Autoimmune lymphoproliferative syndrome type 2A. Last evaluated: 2025-12-11. Review status: criteria provided, single submitter. Criteria: Invitae Variant Classification Sherloc (09022015). Collection method: clinical testing. Allele origin: germline.

Blueprint Genetics
Classification: Likely benign. Last evaluated: 2024-09-19. Review status: criteria provided, single submitter. Criteria: ACMG Guidelines, 2015. Collection method: clinical testing. Allele origin: germline.

Illumina Laboratory Services, Illumina
Classification: Benign for Autoimmune lymphoproliferative syndrome type 2A. Last evaluated: 2018-01-13. Review status: criteria provided, single submitter. Criteria: ICSL Variant Classification Criteria 13 December 2019. Collection method: clinical testing. Allele origin: germline.
Comment: This variant was observed in the ICSL laboratory as part of a predisposition screen in an ostensibly healthy population. It had not been previously curated by ICSL or reported in the Human Gene Mutation Database (HGMD: prior to June 1st, 2018), and was therefore a candidate for classification through an automated scoring system. Utilizing variant allele frequency, disease prevalence and penetrance estimates, and inheritance mode, an automated score was calculated to assess if this variant is too frequent to cause the disease. Based on the score and internal cut-off values, a variant classified as benign is not then subjected to further curation. The score for this variant resulted in a classification of benign for this disease.

Breakthrough Genomics
Classification: Likely benign. Review status: criteria provided, single submitter. Criteria: ACMG Guidelines, 2015. Collection method: not provided. Allele origin: germline. Inheritance: Autosomal dominant inheritance. Affected: yes.

PreventionGenetics, part of Exact Sciences
Classification: Likely benign for CASP10-related condition. Last evaluated: 2019-04-08. Review status: no assertion criteria provided. Collection method: clinical testing. Allele origin: germline. Not counted in ClinVar's aggregate classification.
Comment: This variant is classified as likely benign based on ACMG/AMP sequence variant interpretation guidelines (Richards et al. 2015 PMID: 25741868, with internal and published modifications).

NM_032977.4(CASP10):c.1415+8C>G

Gene: CASP10 (caspase 10; plus strand). Cytogenetic location: 2q33.1.
Variant type: single nucleotide variant.
Coding change: c.1415+8C>G on transcript NM_032977.4 (MANE Select); 8 bases into the intron after coding-DNA position 1415, C replaced by G.
Molecular consequence: intron variant.
Genome position (GRCh38, 1-based): chr2:201,209,570, C>G. VCF-style: chr2-201209570-C-G. GRCh37 (hg19) VCF-style: chr2-202074293-C-G.
Other names: c.1415+8C>G (NM_032974.5); c.1286+8C>G (NM_001206542.2, NM_001230.5); c.*501+8C>G (NM_032976.4); c.1214+8C>G (NM_001206524.2).
Identifiers: ClinVar variation 333439 (VCV000333439.26), dbSNP rs200638628, ClinGen allele CA2053240.